The following is an entry in ClinVar:

ClinVar aggregate classification (germline): Likely benign (0 of 4 stars; one submission).

Conditions:
PDE4D-related disorder. Also called: PDE4D-related condition.

Allele frequency attached by ClinVar (database versions not stated): 1000 Genomes Project 30x 0.00016; gnomAD 0.00001; 1000 Genomes Project 0.00020.
gnomAD v4.1: 2 of 152,178 alleles (0.0013%); highest among the groups gnomAD compares: South Asian, 0.021%; no homozygotes.

Submission:

PreventionGenetics, part of Exact Sciences
Classification: Likely benign for PDE4D-related condition. Last evaluated: 2023-03-29. Review status: no assertion criteria provided. Collection method: clinical testing. Allele origin: germline.
Comment: This variant is classified as likely benign based on ACMG/AMP sequence variant interpretation guidelines (Richards et al. 2015 PMID: 25741868, with internal and published modifications).

NM_001364600.2(PDE4D):c.43-15573C>T

Gene: PDE4D (phosphodiesterase 4D; minus strand). Cytogenetic location: 5q12.1.
Variant type: single nucleotide variant.
Coding change: c.43-15573C>T on transcript NM_001364600.2; 15573 bases into the intron before coding-DNA position 43, C replaced by T.
Molecular consequence: intron variant. On other transcripts: 5 prime UTR variant (2).
Genome position (GRCh38, 1-based): chr5:60,004,290, G>A on the plus strand (C>T on the coding strand, the complement: PDE4D is on the minus strand). VCF-style: chr5-60004290-G-A. GRCh37 (hg19) VCF-style: chr5-59300117-G-A.
Other names: c.-5C>T (NM_001349241.2); c.-486C>T (NM_001349243.2); c.43-15573C>T (NM_001364599.1, NM_001165899.2).
Identifiers: ClinVar variation 3055216 (VCV003055216.2), dbSNP rs556348371, ClinGen allele CA119347601.
Genomic context (GRCh38, chr5:60,004,290, plus strand): 5'-CATATGGATGATAGAAAATATTTGCAAACCATACATAGTTTTACCTTGGTATCCATGGGG[G>A]ATTGGTTCAACCTTTCCCACCCTCTGCAGAAACCAAAATCTTCAGATGCTCAAGTCCTGC-3'